The following is an entry in ClinVar:

ClinVar aggregate classification (germline): Uncertain significance (1 of 4 stars; one submission).

Conditions:
Inborn genetic diseases. Identifiers: MedGen C0950123, MeSH D030342.

Allele frequency attached by ClinVar (database versions not stated): TOPMed below 0.00001.

Submission:

Ambry Genetics
Classification: Uncertain significance for Inborn genetic diseases. Last evaluated: 2022-04-02. Review status: criteria provided, single submitter. Criteria: Ambry Variant Classification Scheme 2023. Collection method: clinical testing. Allele origin: germline.
Comment: The p.T870P variant (also known as c.2608A>C), located in coding exon 16 of the EPAS1 gene, results from an A to C substitution at nucleotide position 2608. The threonine at codon 870 is replaced by proline, an amino acid with highly similar properties. This amino acid position is conserved. In addition, this alteration is predicted to be tolerated by in silico analysis. Since supporting evidence is limited at this time, the clinical significance of this alteration remains unclear.

NM_001430.5(EPAS1):c.2608A>C (p.Thr870Pro)

Gene: EPAS1 (endothelial PAS domain protein 1; plus strand). Cytogenetic location: 2p21.
Variant type: single nucleotide variant.
Coding change: c.2608A>C on transcript NM_001430.5 (MANE Select); coding-DNA position 2608, A replaced by C.
Protein change: p.Thr870Pro; replaces threonine 870 with proline.
Molecular consequence: missense variant.
Genome position (GRCh38, 1-based): chr2:46,384,655, A>C. VCF-style: chr2-46384655-A-C. GRCh37 (hg19) VCF-style: chr2-46611794-A-C.
Other names: short protein forms T870P.
Identifiers: ClinVar variation 1793750 (VCV001793750.2), dbSNP rs1684971634, ClinGen allele CA346707224.